The following is an entry in ClinVar:

NM_001148.6(ANK2):c.3930C>T (p.Ser1310=)

Gene: ANK2 (ankyrin 2; plus strand). Cytogenetic location: 4q26.
Variant type: single nucleotide variant.
Coding change: c.3930C>T on transcript NM_001148.6 (MANE Select); coding-DNA position 3930, C replaced by T.
Protein change: p.Ser1310=; no amino-acid change (serine 1310 retained).
Molecular consequence: synonymous variant.
Genome position (GRCh38, 1-based): chr4:113,341,724, C>T. VCF-style: chr4-113341724-C-T. GRCh37 (hg19) VCF-style: chr4-114262880-C-T.
Other names: c.3903C>T, p.Ser1301= (NM_001127493.3); c.3942C>T, p.Ser1314= (NM_001354225.2); c.3831C>T, p.Ser1277= (NM_001354228.2, NM_001354258.2); c.3909C>T, p.Ser1303= (NM_001354230.2); c.3972C>T, p.Ser1324= (NM_001354231.2, NM_001354242.2); c.3966C>T, p.Ser1322= (NM_001354232.2); c.3927C>T, p.Ser1309= (NM_001354235.2, NM_001354246.2, NM_001354265.2); c.3828C>T, p.Ser1276= (NM_001354236.2); and 31 more.
Identifiers: ClinVar variation 413971 (VCV000413971.12), dbSNP rs563444325, ClinGen allele CA3050963.

ClinVar aggregate classification (germline): Likely benign. Review status: criteria provided, multiple submitters, no conflicts (2 of 4 stars). 4 submissions from 4 submitters: Likely benign (4). Last evaluated 2026-01-31.

Conditions:
Cardiovascular phenotype. Identifiers: MedGen CN230736.
Long QT syndrome (LQTS). Identifiers: MedGen C0023976, MeSH D008133, MONDO:0002442. Disease mechanism: loss of function. Inheritance: Various modes of inheritance.

Allele frequency attached by ClinVar (database versions not stated): gnomAD exomes 0.00002 and 0.00004; ExAC 0.00004; gnomAD 0.00004; TOPMed 0.00008; 1000 Genomes Project 30x 0.00016; 1000 Genomes Project 0.00020.
gnomAD v4.1: 38 of 1,614,024 alleles (0.0024%); highest among the groups gnomAD compares: Admixed American, 0.0083%; no homozygotes.

Submissions (4):

Labcorp Genetics (formerly Invitae), Labcorp
Classification: Likely benign for Long QT syndrome. Last evaluated: 2026-01-31. Review status: criteria provided, single submitter. Criteria: Invitae Variant Classification Sherloc (09022015). Collection method: clinical testing. Allele origin: germline.

Blueprint Genetics
Classification: Likely benign. Last evaluated: 2022-12-02. Review status: criteria provided, single submitter. Criteria: ACMG Guidelines, 2015. Collection method: clinical testing. Allele origin: germline.

Ambry Genetics
Classification: Likely benign for Cardiovascular phenotype. Last evaluated: 2022-05-09. Review status: criteria provided, single submitter. Criteria: Ambry Variant Classification Scheme 2023. Collection method: clinical testing. Allele origin: germline.

GeneDx
Classification: Likely benign. Last evaluated: 2020-11-05. Review status: criteria provided, single submitter. Criteria: GeneDx Variant Classification Process June 2021. Collection method: clinical testing. Allele origin: germline. Affected: yes.
Comment: See Variant Classification Assertion Criteria.